The following is an entry in ClinVar:

ClinVar aggregate classification (germline): Uncertain significance (1 of 4 stars; one submission).

Allele frequency attached by ClinVar (database versions not stated): gnomAD exomes below 0.00001.
gnomAD v4.1: 1 of 1,614,192 alleles (0.000062%); highest among the groups gnomAD compares: Non-Finnish European, 0.000085%; no homozygotes.

Submission:

Labcorp Genetics (formerly Invitae), Labcorp
Classification: Uncertain significance. Last evaluated: 2025-09-08. Review status: criteria provided, single submitter. Criteria: Invitae Variant Classification Sherloc (09022015). Collection method: clinical testing. Allele origin: germline.
Comment: This sequence change replaces glycine, which is neutral and non-polar, with arginine, which is basic and polar, at codon 3366 of the ANK3 protein (p.Gly3366Arg). This variant is not present in population databases (gnomAD no frequency). This variant has not been reported in the literature in individuals affected with ANK3-related conditions. ClinVar contains an entry for this variant (Variation ID: 1511998). Invitae Evidence Modeling of protein sequence and biophysical properties (such as structural, functional, and spatial information, amino acid conservation, physicochemical variation, residue mobility, and thermodynamic stability) indicates that this missense variant is not expected to disrupt ANK3 protein function with a negative predictive value of 80%. In summary, the available evidence is currently insufficient to determine the role of this variant in disease. Therefore, it has been classified as a Variant of Uncertain Significance.

NM_020987.5(ANK3):c.10096G>A (p.Gly3366Arg)

Gene: ANK3 (ankyrin 3; minus strand). Cytogenetic location: 10q21.2.
Variant type: single nucleotide variant.
Coding change: c.10096G>A on transcript NM_020987.5 (MANE Select); coding-DNA position 10096, G replaced by A.
Protein change: p.Gly3366Arg; replaces glycine 3366 with arginine.
Molecular consequence: missense variant. On other transcripts: intron variant (4).
Genome position (GRCh38, 1-based): chr10:60,070,785, C>T on the plus strand (G>A on the coding strand, the complement: ANK3 is on the minus strand). VCF-style: chr10-60070785-C-T. GRCh37 (hg19) VCF-style: chr10-61830543-C-T.
Other names: c.4388-2776G>A (NM_001204403.2); c.4409-2776G>A (NM_001204404.2); c.4406-2776G>A (NM_001320874.2); c.1808-2776G>A (NM_001149.4); short protein forms G3366R.
Identifiers: ClinVar variation 1511998 (VCV001511998.6), dbSNP rs2131969264, ClinGen allele CA377001520.